The following is an entry in ClinVar:

NM_001267550.2(TTN):c.1492G>A (p.Val498Ile)

Gene: TTN (titin; minus strand). Cytogenetic location: 2q31.2.
Variant type: single nucleotide variant.
Coding change: c.1492G>A on transcript NM_001267550.2 (MANE Select); coding-DNA position 1492, G replaced by A.
Protein change: p.Val498Ile; replaces valine 498 with isoleucine.
Molecular consequence: missense variant.
Genome position (GRCh38, 1-based): chr2:178,793,448, C>T on the plus strand (G>A on the coding strand, the complement: TTN is on the minus strand). VCF-style: chr2-178793448-C-T. GRCh37 (hg19) VCF-style: chr2-179658175-C-T.
Other names: p.V498I:GTA>ATA; c.1492G>A, p.Val498Ile (NM_003319.4, NM_133379.5, NM_133432.3 and 3 more transcripts); short protein forms V498I.
Identifiers: ClinVar variation 46641 (VCV000046641.59), dbSNP rs72647851, ClinGen allele CA282721.

ClinVar aggregate classification (germline): Benign/Likely benign. Review status: criteria provided, multiple submitters, no conflicts (2 of 4 stars). 30 submissions from 23 submitters: Benign (16); Likely benign (7). 7 of the submissions do not count toward it. Last evaluated 2026-02-04.

Conditions:
Cardiovascular phenotype. Identifiers: MedGen CN230736.
Autosomal recessive limb-girdle muscular dystrophy type 2J (LGMDR10). Also called: Limb-girdle muscular dystrophy, type 2J; MUSCULAR DYSTROPHY, LIMB-GIRDLE, AUTOSOMAL RECESSIVE 10. Identifiers: Orphanet 140922, MedGen C1837342, MONDO:0012127, OMIM 608807.
Dilated cardiomyopathy 1G (CMD1G). Identifiers: Orphanet 154, MedGen C1858763, MONDO:0011400, OMIM 604145.
Early-onset myopathy with fatal cardiomyopathy (CMYO5). Also called: Salih Myopathy; CONGENITAL MYOPATHY 5 WITH CARDIOMYOPATHY. Identifiers: Orphanet 289377, MedGen C2673677, MONDO:0012714, OMIM 611705. Disease mechanism: loss of function.
Myopathy, myofibrillar, 9, with early respiratory failure (MFM9). Also called: Hereditary myopathy with early respiratory failure; EDSTROM MYOPATHY; MYOPATHY, PROXIMAL, WITH EARLY RESPIRATORY MUSCLE INVOLVEMENT; Myopathy, distal, with early respiratory failure, autosomal dominant. Identifiers: Orphanet 178464, Orphanet 34521, MedGen C1863599, MONDO:0011362, OMIM 603689.
Tibial muscular dystrophy (TMD). Also called: UDD MYOPATHY; Udd Distal Myopathy – Tibial Muscular Dystrophy; Tibial muscular dystrophy, tardive. Identifiers: Orphanet 609, MedGen C1838244, MONDO:0010870, OMIM 600334.
Hypertrophic cardiomyopathy 2. Also called: TNNT2-Related Familial Hypertrophic Cardiomyopathy. Identifiers: MedGen C1861864, MONDO:0007266, OMIM 115195.

Allele frequency attached by ClinVar (database versions not stated): 1000 Genomes Project 30x 0.00687; 1000 Genomes Project 0.00759; ExAC 0.01484; TOPMed 0.01575; gnomAD exomes 0.01605; gnomAD 0.01643 and 0.01678; ESP Exome Variant Server 0.01753.
gnomAD v4.1: 36,091 of 1,614,106 alleles (2.2%); highest among the groups gnomAD compares: Non-Finnish European, 2.6%; 481 homozygotes.

Submissions (30):

Labcorp Genetics (formerly Invitae), Labcorp
Classification: Benign for Dilated cardiomyopathy 1G; Autosomal recessive limb-girdle muscular dystrophy type 2J. Last evaluated: 2026-02-04. Review status: criteria provided, single submitter. Criteria: Invitae Variant Classification Sherloc (09022015). Collection method: clinical testing. Allele origin: germline.

Molecular Diagnostic Laboratory for Inherited Cardiovascular Disease, Montreal Heart Institute
Classification: Likely benign. Last evaluated: 2025-04-09. Review status: criteria provided, single submitter. Criteria: ACMG Guidelines, 2015. Collection method: clinical testing. Allele origin: germline. Affected: no.

ARUP Laboratories, Molecular Genetics and Genomics, ARUP Laboratories
Classification: Benign. Last evaluated: 2025-04-08. Review status: criteria provided, single submitter. Criteria: ARUP Molecular Germline Variant Investigation Process 2024. Collection method: clinical testing. Allele origin: germline.

Blueprint Genetics
Classification: Likely benign. Last evaluated: 2024-11-26. Review status: criteria provided, single submitter. Criteria: ACMG Guidelines, 2015. Collection method: clinical testing. Allele origin: germline.

Women's Health and Genetics/Laboratory Corporation of America, LabCorp
Classification: Likely benign. Last evaluated: 2024-03-11. Review status: criteria provided, single submitter. Criteria: LabCorp Variant Classification Summary - May 2015. Collection method: clinical testing. Allele origin: germline.

Genetic Services Laboratory, University of Chicago
Classification: Benign. Last evaluated: 2021-12-27. Review status: criteria provided, single submitter. Criteria: ACMG Guidelines, 2015. Collection method: clinical testing. Allele origin: germline. Affected: no.

Genome-Nilou Lab
Classification: Benign for Autosomal recessive limb-girdle muscular dystrophy type 2J. Last evaluated: 2021-09-10. Review status: criteria provided, single submitter. Criteria: ACMG Guidelines, 2015. Collection method: clinical testing. Allele origin: germline. Affected: no.

Genome-Nilou Lab
Classification: Benign for Myopathy, myofibrillar, 9, with early respiratory failure. Last evaluated: 2021-09-10. Review status: criteria provided, single submitter. Criteria: ACMG Guidelines, 2015. Collection method: clinical testing. Allele origin: germline. Affected: no.

Genome-Nilou Lab
Classification: Benign for Early-onset myopathy with fatal cardiomyopathy. Last evaluated: 2021-09-10. Review status: criteria provided, single submitter. Criteria: ACMG Guidelines, 2015. Collection method: clinical testing. Allele origin: germline. Affected: no.

Genome-Nilou Lab
Classification: Benign for Tibial muscular dystrophy. Last evaluated: 2021-09-10. Review status: criteria provided, single submitter. Criteria: ACMG Guidelines, 2015. Collection method: clinical testing. Allele origin: germline. Affected: no.

Athena Diagnostics
Classification: Benign. Last evaluated: 2019-05-31. Review status: criteria provided, single submitter. Criteria: Athena Diagnostics Criteria. Collection method: clinical testing. Allele origin: germline.

Mayo Clinic Laboratories, Mayo Clinic
Classification: Benign. Last evaluated: 2018-01-15. Review status: criteria provided, single submitter. Criteria: ACMG Guidelines, 2015. Collection method: clinical testing. Allele origin: germline. Observed: 101 variant alleles.

Illumina Laboratory Services, Illumina
Classification: Likely benign for Dilated cardiomyopathy 1G. Last evaluated: 2018-01-13. Review status: criteria provided, single submitter. Criteria: ICSL Variant Classification Criteria 13 December 2019. Collection method: clinical testing. Allele origin: germline.
Comment: This variant was observed in the ICSL laboratory as part of a predisposition screen in an ostensibly healthy population. It had not been previously curated by ICSL or reported in the Human Gene Mutation Database (HGMD: prior to June 1st, 2018), and was therefore a candidate for classification through an automated scoring system. Utilizing variant allele frequency, disease prevalence and penetrance estimates, and inheritance mode, an automated score was calculated to assess if this variant is too frequent to cause the disease. Based on the score and internal cut-off values, a variant classified as likely benign is not then subjected to further curation. The score for this variant resulted in a classification of likely benign for this disease.

Illumina Laboratory Services, Illumina
Classification: Benign for Tibial muscular dystrophy. Last evaluated: 2018-01-13. Review status: criteria provided, single submitter. Criteria: ICSL Variant Classification Criteria 13 December 2019. Collection method: clinical testing. Allele origin: germline.
Comment: This variant was observed in the ICSL laboratory as part of a predisposition screen in an ostensibly healthy population. It had not been previously curated by ICSL or reported in the Human Gene Mutation Database (HGMD: prior to June 1st, 2018), and was therefore a candidate for classification through an automated scoring system. Utilizing variant allele frequency, disease prevalence and penetrance estimates, and inheritance mode, an automated score was calculated to assess if this variant is too frequent to cause the disease. Based on the score and internal cut-off values, a variant classified as benign is not then subjected to further curation. The score for this variant resulted in a classification of benign for this disease.

Illumina Laboratory Services, Illumina
Classification: Likely benign for Autosomal recessive limb-girdle muscular dystrophy type 2J. Last evaluated: 2018-01-13. Review status: criteria provided, single submitter. Criteria: ICSL Variant Classification Criteria 13 December 2019. Collection method: clinical testing. Allele origin: germline.
Comment: the same text as in the submission from Illumina Laboratory Services, Illumina above.

Illumina Laboratory Services, Illumina
Classification: Likely benign for Early-onset myopathy with fatal cardiomyopathy. Last evaluated: 2018-01-13. Review status: criteria provided, single submitter. Criteria: ICSL Variant Classification Criteria 13 December 2019. Collection method: clinical testing. Allele origin: germline.
Comment: the same text as in the submission from Illumina Laboratory Services, Illumina above.

Illumina Laboratory Services, Illumina
Classification: Benign for Myopathy, myofibrillar, 9, with early respiratory failure. Last evaluated: 2018-01-13. Review status: criteria provided, single submitter. Criteria: ICSL Variant Classification Criteria 13 December 2019. Collection method: clinical testing. Allele origin: germline.
Comment: the same text as in the submission from Illumina Laboratory Services, Illumina above.

Biesecker Lab/Clinical Genomics Section, National Institutes of Health
Classification: Benign. Last evaluated: 2013-06-24. Review status: criteria provided, single submitter. Criteria: Ng et al. (Circ Cardiovasc Genet. 2013). Collection method: research. Allele origin: unknown. Observed: 44 variant alleles. Study: ClinSeq.
Comment: The study set was not selected for affection status in relation to any cancer. Pathogenicity categories were based on literature curation. See Pubmed ID:23861362 for details.

Medical sequencing

GeneDx
Classification: Benign. Last evaluated: 2012-10-16. Review status: criteria provided, single submitter. Criteria: GeneDx Variant Classification (06012015). Collection method: clinical testing. Allele origin: germline. Affected: yes.
Comment: This variant is considered likely benign or benign based on one or more of the following criteria: it is a conservative change, it occurs at a poorly conserved position in the protein, it is predicted to be benign by multiple in silico algorithms, and/or has population frequency not consistent with disease.

Ambry Genetics
Classification: Benign for Cardiovascular phenotype. Last evaluated: 2012-09-21. Review status: criteria provided, single submitter. Criteria: Ambry Autosomal Dominant and X-Linked criteria (10/2015). Collection method: clinical testing. Allele origin: germline. Observed: 1 variant allele.

Laboratory for Molecular Medicine, Mass General Brigham Personalized Medicine
Classification: Benign. Last evaluated: 2012-05-18. Review status: criteria provided, single submitter. Criteria: LMM Criteria. Collection method: clinical testing. Allele origin: germline. Observed: 72 variant alleles.
Comment: Val498Ile in exon 9 of TTN: This variant is not expected to have clinical signif icance because it has been identified in 2.1% (150/7020) of European American ch romosomes from a broad population by the NHLBI Exome Sequencing Project. Val498Ile in exon 9 of TTN (rs72647851; allele frequency = 2.1%, 150/7020) **

Breakthrough Genomics
Classification: Likely benign. Review status: criteria provided, single submitter. Criteria: ACMG Guidelines, 2015. Collection method: not provided. Allele origin: germline. Inheritance: Autosomal recessive inheritance. Affected: yes.

PreventionGenetics, part of Exact Sciences
Classification: Benign. Review status: criteria provided, single submitter. Criteria: ACMG Guidelines, 2015. Collection method: clinical testing. Allele origin: germline.

Clinical Genetics DNA and cytogenetics Diagnostics Lab, Erasmus MC, Erasmus Medical Center
Classification: Benign. Review status: no assertion criteria provided. Collection method: clinical testing. Allele origin: germline. Affected: yes. Study: VKGL Data-share Consensus. Not counted in ClinVar's aggregate classification.

Clinical Genetics, Academic Medical Center
Classification: Benign. Review status: no assertion criteria provided. Collection method: clinical testing. Allele origin: germline. Affected: yes. Study: VKGL Data-share Consensus. Not counted in ClinVar's aggregate classification.

Diagnostic Laboratory, Department of Genetics, University Medical Center Groningen
Classification: Benign. Review status: no assertion criteria provided. Collection method: clinical testing. Allele origin: germline. Affected: yes. Study: VKGL Data-share Consensus. Not counted in ClinVar's aggregate classification.

Genome Diagnostics Laboratory, University Medical Center Utrecht
Classification: Benign. Review status: no assertion criteria provided. Collection method: clinical testing. Allele origin: germline. Affected: yes. Study: VKGL Data-share Consensus. Not counted in ClinVar's aggregate classification.

Institute of Human Genetics, University of Wuerzburg
Classification: Likely benign for Hypertrophic cardiomyopathy 2. Review status: no assertion criteria provided. Collection method: clinical testing. Allele origin: unknown. Affected: yes. Observed: 1 variant allele. Not counted in ClinVar's aggregate classification.

Joint Genome Diagnostic Labs from Nijmegen and Maastricht, Radboudumc and MUMC+
Classification: Benign. Review status: no assertion criteria provided. Collection method: clinical testing. Allele origin: germline. Affected: yes. Study: VKGL Data-share Consensus. Not counted in ClinVar's aggregate classification.

Laboratory of Diagnostic Genome Analysis, Leiden University Medical Center (LUMC)
Classification: Likely benign. Review status: no assertion criteria provided. Collection method: clinical testing. Allele origin: germline. Affected: yes. Study: VKGL Data-share Consensus. Not counted in ClinVar's aggregate classification.

Literature cited by the submitters: PubMed 27585509 (cited by Athena Diagnostics); PubMed 23861362 (cited by Athena Diagnostics).